The following is an entry in ClinVar:

NM_000069.3(CACNA1S):c.116C>T (p.Pro39Leu)

Gene: CACNA1S (calcium voltage-gated channel subunit alpha1 S; minus strand). Cytogenetic location: 1q32.1.
Variant type: single nucleotide variant.
Coding change: c.116C>T on transcript NM_000069.3 (MANE Select); coding-DNA position 116, C replaced by T.
Protein change: p.Pro39Leu; replaces proline 39 with leucine.
Molecular consequence: missense variant.
Genome position (GRCh38, 1-based): chr1:201,112,224, G>A on the plus strand (C>T on the coding strand, the complement: CACNA1S is on the minus strand). VCF-style: chr1-201112224-G-A. GRCh37 (hg19) VCF-style: chr1-201081352-G-A.
Other names: short protein forms P39L.
Identifiers: ClinVar variation 1014360 (VCV001014360.9), dbSNP rs1663146674, ClinGen allele CA344157834.

ClinVar aggregate classification (germline): Uncertain significance (1 of 4 stars; one submission).

Conditions:
Hypokalemic periodic paralysis, type 1. Also called: HypoPP; Hypokalemic Periodic Paralysis Type 1 (AD). Identifiers: Orphanet 681, MedGen C3714580, MONDO:0042979, OMIM 170400.
Malignant hyperthermia, susceptibility to, 5 (MHS5). Also called: CACNA1S-Related Malignant Hyperthermia Susceptibility. Identifiers: Orphanet 423, MedGen C1866077, MONDO:0011163, OMIM 601887.

Allele frequency attached by ClinVar (database versions not stated): gnomAD exomes below 0.00001.
gnomAD v4.1: 2 of 1,613,936 alleles (0.00012%); highest among the groups gnomAD compares: Non-Finnish European, 0.00017%; no homozygotes.

Submission:

Labcorp Genetics (formerly Invitae), Labcorp
Classification: Uncertain significance for Hypokalemic periodic paralysis, type 1; Malignant hyperthermia, susceptibility to, 5. Last evaluated: 2023-09-04. Review status: criteria provided, single submitter. Criteria: Invitae Variant Classification Sherloc (09022015). Collection method: clinical testing. Allele origin: germline.
Comment: This sequence change replaces proline, which is neutral and non-polar, with leucine, which is neutral and non-polar, at codon 39 of the CACNA1S protein (p.Pro39Leu). This variant is not present in population databases (gnomAD no frequency). This variant has not been reported in the literature in individuals affected with CACNA1S-related conditions. ClinVar contains an entry for this variant (Variation ID: 1014360). Advanced modeling of protein sequence and biophysical properties (such as structural, functional, and spatial information, amino acid conservation, physicochemical variation, residue mobility, and thermodynamic stability) performed at Invitae indicates that this missense variant is not expected to disrupt CACNA1S protein function. In summary, the available evidence is currently insufficient to determine the role of this variant in disease. Therefore, it has been classified as a Variant of Uncertain Significance.